The following is an entry in ClinVar:

ClinVar aggregate classification (germline): Uncertain significance. Review status: criteria provided, multiple submitters, no conflicts (2 of 4 stars). 2 submissions from 2 submitters: Uncertain significance (2). Last evaluated 2025-10-28.

Conditions:
Hereditary cancer-predisposing syndrome. Also called: Neoplastic Syndromes, Hereditary; Tumor predisposition; Hereditary Cancer Syndrome; Hereditary neoplastic syndrome. Identifiers: Orphanet 140162, MedGen C0027672, MeSH D009386, MONDO:0015356.
Familial cancer of breast. Also called: BREAST CANCER, FAMILIAL; hereditary breast carcinoma; Hereditary breast cancer. Identifiers: Orphanet 227535, MedGen C0346153, MONDO:0016419, OMIM 114480. Disease mechanism: loss of function.

Allele frequency attached by ClinVar (database versions not stated): TOPMed below 0.00001.

Submissions (2):

Ambry Genetics
Classification: Uncertain significance for Hereditary cancer-predisposing syndrome. Last evaluated: 2025-10-28. Review status: criteria provided, single submitter. Criteria: Ambry Variant Classification Scheme 2023. Collection method: clinical testing. Allele origin: germline.
Comment: The p.S274G variant (also known as c.820A>G), located in coding exon 4 of the BARD1 gene, results from an A to G substitution at nucleotide position 820. The serine at codon 274 is replaced by glycine, an amino acid with similar properties. In one study, this variant was detected in 1/96 breast cancer individuals from high-risk French Canadian families without BRCA1/2 mutations and not in 90 unaffected control individuals (Gu&eacute;nard F et al. J Hum Genet, 2009 Mar;54:152-61). This amino acid position is not well conserved in available vertebrate species. In addition, this alteration is predicted to be tolerated by in silico analysis. Since supporting evidence is limited at this time, the clinical significance of this alteration remains unclear.

Labcorp Genetics (formerly Invitae), Labcorp
Classification: Uncertain significance for Familial cancer of breast. Last evaluated: 2025-09-10. Review status: criteria provided, single submitter. Criteria: Invitae Variant Classification Sherloc (09022015). Collection method: clinical testing. Allele origin: germline.
Comment: This sequence change replaces serine, which is neutral and polar, with glycine, which is neutral and non-polar, at codon 274 of the BARD1 protein (p.Ser274Gly). This variant is not present in population databases (gnomAD no frequency). This missense change has been observed in individual(s) with breast cancer (PMID: 19197335). ClinVar contains an entry for this variant (Variation ID: 460765). An algorithm developed to predict the effect of missense changes on protein structure and function (PolyPhen-2) suggests that this variant is likely to be tolerated. In summary, the available evidence is currently insufficient to determine the role of this variant in disease. Therefore, it has been classified as a Variant of Uncertain Significance.

Literature cited by the submitters: PubMed 19197335 (cited by Ambry Genetics and Labcorp Genetics (formerly Invitae), Labcorp).

NM_000465.4(BARD1):c.820A>G (p.Ser274Gly)

Gene: BARD1 (BRCA1 associated RING domain 1; minus strand). Cytogenetic location: 2q35.
Variant type: single nucleotide variant.
Coding change: c.820A>G on transcript NM_000465.4 (MANE Select); coding-DNA position 820, A replaced by G.
Protein change: p.Ser274Gly; replaces serine 274 with glycine.
Molecular consequence: missense variant. On other transcripts: non-coding transcript variant (2), intron variant (3).
Genome position (GRCh38, 1-based): chr2:214,781,054, T>C on the plus strand (A>G on the coding strand, the complement: BARD1 is on the minus strand). VCF-style: chr2-214781054-T-C. GRCh37 (hg19) VCF-style: chr2-215645778-T-C.
Other names: c.763A>G, p.Ser255Gly (NM_001282543.2); c.158+28358A>G (NM_001282548.2); c.215+16007A>G (NM_001282545.2); c.364+11243A>G (NM_001282549.2); short protein forms S274G, S255G.
Identifiers: ClinVar variation 460765 (VCV000460765.15), dbSNP rs1553622422, ClinGen allele CA350455466.